The following is an entry in ClinVar:

NM_144973.4(DENND5B):c.242G>C (p.Cys81Ser)

Gene: DENND5B (DENN domain containing 5B; minus strand). Cytogenetic location: 12p11.21.
Variant type: single nucleotide variant.
Coding change: c.242G>C on transcript NM_144973.4 (MANE Select); coding-DNA position 242, G replaced by C.
Protein change: p.Cys81Ser; replaces cysteine 81 with serine.
Molecular consequence: missense variant.
Genome position (GRCh38, 1-based): chr12:31,480,251, C>G on the plus strand (G>C on the coding strand, the complement: DENND5B is on the minus strand). VCF-style: chr12-31480251-C-G. GRCh37 (hg19) VCF-style: chr12-31633185-C-G.
Other names: c.347G>C, p.Cys116Ser (NM_001308339.2); c.308G>C, p.Cys103Ser (NM_001366890.1, NM_001366893.1); c.242G>C, p.Cys81Ser (NM_001366891.1, NM_001366892.1); short protein forms C103S, C116S, C81S.
Identifiers: ClinVar variation 4976358 (VCV004976358.1).

ClinVar aggregate classification (germline): Uncertain significance (1 of 4 stars; one submission).

Submission:

GeneDx
Classification: Uncertain significance. Last evaluated: 2026-02-15. Review status: criteria provided, single submitter. Criteria: GeneDx Variant Classification Process June 2021. Collection method: clinical testing. Allele origin: germline.
Comment: Not observed at significant frequency in large population cohorts (gnomAD); In silico analysis supports that this missense variant has a deleterious effect on protein structure/function; Has not been previously published as pathogenic or benign to our knowledge